The following is an entry in ClinVar:

NM_001851.6(COL9A1):c.862A>G (p.Ile288Val)

Gene: COL9A1 (collagen type IX alpha 1 chain; minus strand). Cytogenetic location: 6q13.
Variant type: single nucleotide variant.
Coding change: c.862A>G on transcript NM_001851.6 (MANE Select); coding-DNA position 862, A replaced by G.
Protein change: p.Ile288Val; replaces isoleucine 288 with valine.
Molecular consequence: missense variant. On other transcripts: non-coding transcript variant (1).
Genome position (GRCh38, 1-based): chr6:70,281,404, T>C on the plus strand (A>G on the coding strand, the complement: COL9A1 is on the minus strand). VCF-style: chr6-70281404-T-C. GRCh37 (hg19) VCF-style: chr6-70991107-T-C.
Other names: c.133A>G, p.Ile45Val (NM_001377289.1, NM_001377290.1, NM_078485.4); c.862A>G, p.Ile288Val (NM_001377291.1); c.862A>G (NM_001851.4); short protein forms I45V, I288V.
Identifiers: ClinVar variation 2063509 (VCV002063509.3), dbSNP rs2483459216, ClinGen allele CA364665932.

ClinVar aggregate classification (germline): Uncertain significance. Review status: criteria provided, multiple submitters, no conflicts (2 of 4 stars). 2 submissions from 2 submitters: Uncertain significance (2). Last evaluated 2024-08-20.

Conditions:
Inborn genetic diseases. Identifiers: MedGen C0950123, MeSH D030342.

Allele frequency attached by ClinVar (database versions not stated): gnomAD exomes 0.00001.
gnomAD v4.1: 13 of 1,611,344 alleles (0.00081%); highest among the groups gnomAD compares: Middle Eastern, 0.017%; no homozygotes.

Submissions (2):

Ambry Genetics
Classification: Uncertain significance for Inborn genetic diseases. Last evaluated: 2024-08-20. Review status: criteria provided, single submitter. Criteria: Ambry Variant Classification Scheme 2023. Collection method: clinical testing. Allele origin: germline.

Labcorp Genetics (formerly Invitae), Labcorp
Classification: Uncertain significance. Last evaluated: 2022-02-09. Review status: criteria provided, single submitter. Criteria: Invitae Variant Classification Sherloc (09022015). Collection method: clinical testing. Allele origin: germline.
Comment: In summary, the available evidence is currently insufficient to determine the role of this variant in disease. Therefore, it has been classified as a Variant of Uncertain Significance. Advanced modeling of protein sequence and biophysical properties (such as structural, functional, and spatial information, amino acid conservation, physicochemical variation, residue mobility, and thermodynamic stability) performed at Invitae indicates that this missense variant is not expected to disrupt COL9A1 protein function. This variant has not been reported in the literature in individuals affected with COL9A1-related conditions. This variant is not present in population databases (gnomAD no frequency). This sequence change replaces isoleucine, which is neutral and non-polar, with valine, which is neutral and non-polar, at codon 288 of the COL9A1 protein (p.Ile288Val).